The following is an entry in ClinVar:

ClinVar aggregate classification (germline): Uncertain significance (1 of 4 stars; one submission).

Submission:

Dasa
Classification: Uncertain significance. Last evaluated: 2026-03-11. Review status: criteria provided, single submitter. Criteria: DASA Assertion Criteria. Collection method: clinical testing. Allele origin: germline.
Comment: NM_005228.5(EGFR):c.3404A>C (p.Asn1135Thr) is a missense variant that results in the substitution of asparagine with threonine. This variant is rare in population databases. The currently available literature and clinical evidence are not sufficient to establish a definitive association between this variant and the reported condition. Therefore, this variant is classified as a variant of uncertain significance.

NM_005228.5(EGFR):c.3404A>C (p.Asn1135Thr)

Gene: EGFR (epidermal growth factor receptor; plus strand). Cytogenetic location: 7p11.2.
Variant type: single nucleotide variant.
Coding change: c.3404A>C on transcript NM_005228.5 (MANE Select); coding-DNA position 3404, A replaced by C.
Protein change: p.Asn1135Thr; replaces asparagine 1135 with threonine.
Molecular consequence: missense variant.
Genome position (GRCh38, 1-based): chr7:55,205,388, A>C. VCF-style: chr7-55205388-A-C. GRCh37 (hg19) VCF-style: chr7-55273081-A-C.
Other names: c.3269A>C, p.Asn1090Thr (NM_001346899.2); c.3245A>C, p.Asn1082Thr (NM_001346900.2); c.2603A>C, p.Asn868Thr (NM_001346941.2); short protein forms N1082T, N1090T, N1135T, N868T.
Identifiers: ClinVar variation 4881265 (VCV004881265.2).